The following continues an entry in ClinVar:

NM_000059.4(BRCA2):c.5946del (p.Ser1982fs)

Gene: BRCA2. ClinVar aggregate classification (germline): Pathogenic. Pathogenic (1).

Submissions 68 to 88 of 88:

German Consortium for Hereditary Breast and Ovarian Cancer, University Hospital Cologne
Classification: Pathogenic for Ovarian neoplasm. Last evaluated: 2018-12-01. Review status: no assertion criteria provided. Collection method: research. Allele origin: germline. Affected: yes. Not counted in ClinVar's aggregate classification.

True Health Diagnostics
Classification: Pathogenic for Hereditary cancer-predisposing syndrome. Last evaluated: 2017-09-27. Review status: no assertion criteria provided. Collection method: clinical testing. Allele origin: germline. Not counted in ClinVar's aggregate classification.

OMIM
Classification: risk factor for PANCREATIC CANCER, SUSCEPTIBILITY TO, 2. Last evaluated: 2016-09-12. Review status: no assertion criteria provided. Collection method: literature only. Allele origin: not provided. Not counted in ClinVar's aggregate classification.

OMIM
Classification: Pathogenic for FANCONI ANEMIA, COMPLEMENTATION GROUP D1. Last evaluated: 2016-09-12. Review status: no assertion criteria provided. Collection method: literature only. Allele origin: not provided. Not counted in ClinVar's aggregate classification.

Curoverse
Classification: Pathogenic for BRCA1 and BRCA2 Hereditary Breast and Ovarian Cancer. Last evaluated: 2015-08-01. Review status: no assertion criteria provided. Collection method: research. Allele origin: germline. Affected: no. Observed: 1 variant allele. Not counted in ClinVar's aggregate classification.
Comment: Frameshifts in BRCA2 are considered pathogenic, and this is a BRCA2 Ser1982Arg frameshift variant in exon 11

Centro de Genética y Biología Molecular, Universidad de San Martín de Porres
Classification: Pathogenic for Breast-ovarian cancer, familial, susceptibility to, 2. Last evaluated: 2015-06-10. Review status: no assertion criteria provided. Collection method: research. Allele origin: not applicable. Inheritance: Autosomal dominant inheritance. Study: Mutational analysis of BRCA1 and BRCA2 genes in peruvian families with hereditary breast and ovarian cancer. Not counted in ClinVar's aggregate classification.

Pathway Genomics
Classification: Pathogenic for Breast-ovarian cancer, familial 2. Last evaluated: 2014-07-24. Review status: no assertion criteria provided. Collection method: clinical testing. Allele origin: germline. Not counted in ClinVar's aggregate classification.

Counsyl
Classification: Pathogenic for Breast-ovarian cancer, familial 2. Last evaluated: 2014-04-07. Review status: no assertion criteria provided. Collection method: literature only. Allele origin: unknown. Inheritance: Autosomal dominant inheritance. Not counted in ClinVar's aggregate classification.

Research Molecular Genetics Laboratory, Women's College Hospital, University of Toronto
Classification: Pathogenic for Hereditary breast ovarian cancer syndrome. Last evaluated: 2014-01-31. Review status: no assertion criteria provided. Collection method: research. Allele origin: germline. Affected: yes. Study: The Canadian Open Genetics Repository (COGR). Not counted in ClinVar's aggregate classification.

Sharing Clinical Reports Project (SCRP)
Classification: Pathogenic for Breast-ovarian cancer, familial 2. Last evaluated: 2013-01-15. Review status: no assertion criteria provided. Collection method: clinical testing. Allele origin: germline. Not counted in ClinVar's aggregate classification.

Biesecker Lab/Clinical Genomics Section, National Institutes of Health
Classification: Pathogenic for Breast-ovarian cancer, familial. Last evaluated: 2012-07-13. Review status: no assertion criteria provided. Collection method: research. Allele origin: germline. Affected: no. Observed: 3 variant alleles, 3 heterozygotes. Study: ClinSeq. Not counted in ClinVar's aggregate classification.
ClinVar note: Converted during submission from pathogenic to Pathogenic.

Breast Cancer Information Core (BIC) (BRCA2)
Classification: Pathogenic for Breast-ovarian cancer, familial 2. Last evaluated: 2002-05-29. Review status: no assertion criteria provided. Collection method: clinical testing. Allele origin: germline, unknown. Affected: yes. Observed: 1,094 variant alleles. Not counted in ClinVar's aggregate classification.

OMIM
Classification: Pathogenic for BREAST-OVARIAN CANCER, FAMILIAL, SUSCEPTIBILITY TO, 2. Last evaluated: 1995-12-21. Review status: no assertion criteria provided. Collection method: literature only. Allele origin: germline. Not counted in ClinVar's aggregate classification.

Bioscientia Institut fuer Medizinische Diagnostik GmbH, Sonic Healthcare
Classification: Pathogenic for Familial cancer of breast. Review status: no assertion criteria provided. Collection method: clinical testing. Allele origin: germline. Affected: yes. Not counted in ClinVar's aggregate classification.

Clinical Genetics Laboratory, Department of Pathology, Netherlands Cancer Institute
Classification: Pathogenic. Review status: no assertion criteria provided. Collection method: clinical testing. Allele origin: germline. Affected: yes. Study: VKGL Data-share Consensus. Not counted in ClinVar's aggregate classification.

Department of Pathology and Laboratory Medicine, Sinai Health System
Classification: Pathogenic for Breast-ovarian cancer, familial, susceptibility to, 2. Review status: no assertion criteria provided. Collection method: clinical testing. Allele origin: unknown. Affected: yes. Study: The Canadian Open Genetics Repository (COGR). Not counted in ClinVar's aggregate classification.
Comment: The BRCA2 p.Ser1982Argfs*22 variant was identified in 33 of 11966 proband chromosomes (frequency: 0.003) from individuals or families with breast, ovarian and pancreatic cancer (Agalliu 2009, Borg 2010, Couch 2014, Edwards 2010, Zhang 2011). The variant was also identified in dbSNP (ID: rs80359550) as â€šÃ„ÃºWith Pathogenic alleleâ€šÃ„Ã¹, ClinVar (classified as pathogenic by 34 submitters including Invitae, GeneDx, Counsyl, ARUP and Ambry Genetics), COGR (3 entries classified as pathogenic), COSMIC (1x confirmed somatic in adenocarcinoma of the pancreas), LOVD 3.0 (110 entries classified as affects function), UMD-LSDB (75 entries classified as causal), BIC Database (1090 entries classified as pathogenic), ARUP Laboratories (classified as definitely pathogenic), and the Zhejiang Colon Cancer Database (classified as pathogenic). The variant was not identified in the MutDB database. The variant was also identified by our laboratory in multiple individuals with breast, ovarian or pancreatic cancer. The variant was identified in control databases in 72 of 276978 chromosomes at a frequency of 0.0003 (Genome Aggregation Database Feb 27, 2017). It was observed in the following populations: Ashkenazi Jewish in 59 of 10150 chromosomes (freq: 0.006), Other in 3 of 6460 chromosomes (freq: 0.0005), European (Non-Finnish) in 10 of 126512 chromosomes (freq: 0.00008); it was not observed in the African, East Asian, European (Finnish), Latino, or South Asian populations. The c.5946delT variant is predicted to cause a frameshift, which alters the protein's amino acid sequence beginning at codon 1982 and leads to a premature stop codon 22 codons downstream. This alteration is then predicted to result in a truncated or absent protein and loss of function. Loss of function variants of the BRCA2 gene are an established mechanism of disease in hereditary breast and ovarian cancer and is the type of variant expected to cause the disorder. The truncating BRCA2 6174delT Ashkenazi Jewish founder mutation is associated with a breast cancer risk of 70% by age 70 and identified in the vast majority of Ashkenazi Jewish families with a history of breast and ovarian cancer (Pohlreich 2005, Wu 2005). In addition, a functional study using bacterial artificial chromosomes concluded that this mutation could not rescue lethality in BRCA2-deficient mouse embryonic stem cells, supporting its classification as deleterious (Kuznetsov 2008). In summary, based on the above information, this variant meets our laboratoryâ€šÃ„Ã´s criteria to be classified as pathogenic. Assessment Date: 2018/03/07.

Diagnostic Laboratory, Department of Genetics, University Medical Center Groningen
Classification: Pathogenic for Breast-ovarian cancer, familial, susceptibility to, 2. Review status: no assertion criteria provided. Collection method: clinical testing. Allele origin: germline. Affected: yes. Study: VKGL Data-share Consensus. Not counted in ClinVar's aggregate classification.

GeneReviews
No classification provided. Condition: Hereditary breast ovarian cancer syndrome. Review status: no classification provided. Collection method: literature only. Allele origin: germline. Not counted in ClinVar's aggregate classification.
Comment: Founder variant in Ashkenazi Jews; accounts for 95% of pathogenic variants in this population

Genome Diagnostics Laboratory, University Medical Center Utrecht
Classification: Pathogenic. Review status: no assertion criteria provided. Collection method: clinical testing. Allele origin: germline. Affected: yes. Study: VKGL Data-share Consensus. Not counted in ClinVar's aggregate classification.

Joint Genome Diagnostic Labs from Nijmegen and Maastricht, Radboudumc and MUMC+
Classification: Pathogenic. Review status: no assertion criteria provided. Collection method: clinical testing. Allele origin: germline. Affected: yes. Study: VKGL Data-share Consensus. Not counted in ClinVar's aggregate classification.

Laboratory of Diagnostic Genome Analysis, Leiden University Medical Center (LUMC)
Classification: Pathogenic. Review status: no assertion criteria provided. Collection method: clinical testing. Allele origin: germline. Affected: yes. Study: VKGL Data-share Consensus. Not counted in ClinVar's aggregate classification.

Literature cited by the submitters: PubMed 29446198 (cited by Dasa and Sema4); PubMed 9145676 (cited by 4 submitters); PubMed 8673092 (cited by 4 submitters); PubMed 14559878 (cited by 6 submitters); PubMed 15516848 (cited by Dasa); PubMed 16825431 (cited by 5 submitters); PubMed 19530235 (cited by 3 submitters); PubMed 16199546 (cited by Dasa); PubMed 17063271 (cited by Dasa); PubMed 25632310 (cited by Dasa); PubMed 20104584 (cited by 4 submitters); PubMed 8758903 (cited by 5 submitters); PubMed 9042909 (cited by 4 submitters); PubMed 10417300 (cited by 3 submitters); PubMed 15994883 (cited by 6 submitters); PubMed 22430266 (cited by 9 submitters); PubMed 19188187 (cited by 3 submitters); PubMed 23658460 (cited by 3 submitters); PubMed 20301425 (cited by 4 submitters); PubMed 21324516 (cited by 3 submitters); PubMed 25980754 (cited by Quest Diagnostics Nichols Institute San Juan Capistrano); PubMed 23341105 (cited by Quest Diagnostics Nichols Institute San Juan Capistrano); PubMed 22006311 (cited by 4 submitters).